The following is an entry in ClinVar:

NM_015559.3(SETBP1):c.540+7278C>A

Gene: SETBP1 (SET binding protein 1; plus strand). Cytogenetic location: 18q12.3.
Variant type: single nucleotide variant.
Coding change: c.540+7278C>A on transcript NM_015559.3 (MANE Select); 7278 bases into the intron after coding-DNA position 540, C replaced by A.
Molecular consequence: intron variant.
Genome position (GRCh38, 1-based): chr18:44,876,561, C>A. VCF-style: chr18-44876561-C-A. GRCh37 (hg19) VCF-style: chr18-42456526-C-A.
Other names: c.540+7278C>A (NM_001379141.1, NM_001410862.1, NM_001379142.1); c.541-4C>A (NM_001130110.2).
Identifiers: ClinVar variation 4833679 (VCV004833679.1).

ClinVar aggregate classification (germline): Uncertain significance (1 of 4 stars; one submission).

Conditions:
Inborn genetic diseases. Identifiers: MedGen C0950123, MeSH D030342.

gnomAD v4.1: 3 of 1,547,994 alleles (0.00019%); highest among the groups gnomAD compares: South Asian, 0.0024%; no homozygotes.

Submission:

Ambry Genetics
Classification: Uncertain significance for Inborn genetic diseases. Last evaluated: 2025-12-23. Review status: criteria provided, single submitter. Criteria: Ambry Variant Classification Scheme 2023. Collection method: clinical testing. Allele origin: germline.
Comment: The c.540+7278C>A intronic alteration consists of a C to A substitution 278 nucleotides after coding exon 2 in the SETBP1 gene. Based on data from gnomAD, the A allele has an overall frequency of 0.001% (1/156060) total alleles studied. The highest observed frequency was 0.004% (1/22756) of South Asian alleles. Based on insufficient or conflicting evidence, the clinical significance of this alteration remains unclear.